The following is an entry in ClinVar:

ClinVar aggregate classification (germline): Uncertain significance (1 of 4 stars; one submission).

Conditions:
Hypertrophic cardiomyopathy. Also called: HYPERTROPHIC MYOCARDIOPATHY. Identifiers: Orphanet 217569, MedGen C0007194, MeSH D002312, MONDO:0005045, HP:0001639.

gnomAD v4.1: 1 of 1,611,786 alleles (0.000062%); highest among the groups gnomAD compares: Non-Finnish European, 0.000085%; no homozygotes.

Submission:

Labcorp Genetics (formerly Invitae), Labcorp
Classification: Uncertain significance for Hypertrophic cardiomyopathy. Last evaluated: 2025-07-18. Review status: criteria provided, single submitter. Criteria: Invitae Variant Classification Sherloc (09022015). Collection method: clinical testing. Allele origin: germline.
Comment: This sequence change replaces lysine, which is basic and polar, with threonine, which is neutral and polar, at codon 72 of the TNNI3 protein (p.Lys72Thr). This variant is not present in population databases (gnomAD no frequency). This variant has not been reported in the literature in individuals affected with TNNI3-related conditions. An algorithm developed to predict the effect of missense changes on protein structure and function (PolyPhen-2) suggests that this variant is likely to be disruptive. In summary, the available evidence is currently insufficient to determine the role of this variant in disease. Therefore, it has been classified as a Variant of Uncertain Significance.

NM_000363.5(TNNI3):c.215A>C (p.Lys72Thr)

Gene: TNNI3 (troponin I3, cardiac type; minus strand). Cytogenetic location: 19q13.42.
Variant type: single nucleotide variant.
Coding change: c.215A>C on transcript NM_000363.5 (MANE Select); coding-DNA position 215, A replaced by C.
Protein change: p.Lys72Thr; replaces lysine 72 with threonine.
Molecular consequence: missense variant.
Genome position (GRCh38, 1-based): chr19:55,156,268, T>G on the plus strand (A>C on the coding strand, the complement: TNNI3 is on the minus strand). VCF-style: chr19-55156268-T-G. GRCh37 (hg19) VCF-style: chr19-55667636-T-G.
Other names: short protein forms K72T.
Identifiers: ClinVar variation 4807055 (VCV004807055.1).